The following is an entry in ClinVar:

ClinVar aggregate classification (germline): Uncertain significance (1 of 4 stars; one submission).

Allele frequency attached by ClinVar (database versions not stated): gnomAD exomes below 0.00001; TOPMed below 0.00001.
gnomAD v4.1: 1 of 1,614,076 alleles (0.000062%); highest among the groups gnomAD compares: Middle Eastern, 0.017%; no homozygotes.

Submission:

Labcorp Genetics (formerly Invitae), Labcorp
Classification: Uncertain significance. Last evaluated: 2022-07-19. Review status: criteria provided, single submitter. Criteria: Invitae Variant Classification Sherloc (09022015). Collection method: clinical testing. Allele origin: germline.
Comment: This sequence change replaces aspartic acid, which is acidic and polar, with glycine, which is neutral and non-polar, at codon 670 of the SATB1 protein (p.Asp670Gly). This variant is not present in population databases (gnomAD no frequency). In summary, the available evidence is currently insufficient to determine the role of this variant in disease. Therefore, it has been classified as a Variant of Uncertain Significance. Algorithms developed to predict the effect of missense changes on protein structure and function are either unavailable or do not agree on the potential impact of this missense change (SIFT: "Not Available"; PolyPhen-2: "Benign"; Align-GVGD: "Not Available"). This variant has not been reported in the literature in individuals affected with SATB1-related conditions.

NM_002971.6(SATB1):c.1913A>G (p.Asp638Gly)

Gene: SATB1 (SATB homeobox 1; minus strand). Cytogenetic location: 3p24.3.
Variant type: single nucleotide variant.
Coding change: c.1913A>G on transcript NM_002971.6 (MANE Select); coding-DNA position 1913, A replaced by G.
Protein change: p.Asp638Gly; replaces aspartic acid 638 with glycine.
Molecular consequence: missense variant.
Genome position (GRCh38, 1-based): chr3:18,349,549, T>C on the plus strand (A>G on the coding strand, the complement: SATB1 is on the minus strand). VCF-style: chr3-18349549-T-C. GRCh37 (hg19) VCF-style: chr3-18391041-T-C.
Other names: c.1913A>G, p.Asp638Gly (NM_001131010.4, NM_001322872.2, NM_001322873.2 and 2 more transcripts); c.2009A>G, p.Asp670Gly (NM_001195470.3, NM_001322871.2); c.1697A>G, p.Asp566Gly (NM_001322876.2); short protein forms D638G, D670G, D566G.
Identifiers: ClinVar variation 2171492 (VCV002171492.4), dbSNP rs1694238680, ClinGen allele CA351853550.